The following is an entry in ClinVar:

ClinVar aggregate classification (germline): Uncertain significance (1 of 4 stars; one submission).

Allele frequency attached by ClinVar (database versions not stated): TOPMed below 0.00001.
gnomAD v4.1: 5 of 1,610,734 alleles (0.00031%); highest among the groups gnomAD compares: Non-Finnish European, 0.00042%; no homozygotes.

Submission:

GeneDx
Classification: Uncertain significance. Last evaluated: 2021-03-25. Review status: criteria provided, single submitter. Criteria: GeneDx Variant Classification Process June 2021. Collection method: clinical testing. Allele origin: germline. Affected: yes.
Comment: Has not been previously published as pathogenic or benign to our knowledge; Not observed at a significant frequency in large population cohorts (Lek et al., 2016); In silico analysis supports that this missense variant has a deleterious effect on protein structure/function

NM_001042545.2(LTBP4):c.4589A>C (p.Asp1530Ala)

Gene: LTBP4 (latent transforming growth factor beta binding protein 4; plus strand). Cytogenetic location: 19q13.2.
Variant type: single nucleotide variant.
Coding change: c.4589A>C on transcript NM_001042545.2 (MANE Select); coding-DNA position 4589, A replaced by C.
Protein change: p.Asp1530Ala; replaces aspartic acid 1530 with alanine.
Molecular consequence: missense variant.
Genome position (GRCh38, 1-based): chr19:40,629,465, A>C. VCF-style: chr19-40629465-A-C. GRCh37 (hg19) VCF-style: chr19-41135370-A-C.
Other names: c.4790A>C, p.Asp1597Ala (NM_001042544.1); c.4679A>C, p.Asp1560Ala (NM_003573.2); short protein forms D1530A, D1560A, D1597A.
Identifiers: ClinVar variation 1314249 (VCV001314249.2), dbSNP rs1422315333, ClinGen allele CA405913151.